The following is an entry in ClinVar:

ClinVar aggregate classification (germline): Uncertain significance (1 of 4 stars; one submission).

Conditions:
Baller-Gerold syndrome (BGS). Also called: CRANIOSYNOSTOSIS WITH RADIAL DEFECTS. Identifiers: Orphanet 1225, MedGen C0265308, MONDO:0009039, OMIM 218600.

Allele frequency attached by ClinVar (database versions not stated): gnomAD exomes below 0.00001 and 0.00001; ExAC 0.00003.
gnomAD v4.1: 1 of 1,577,064 alleles (0.000063%); highest among the groups gnomAD compares: Non-Finnish European, 0.000086%; no homozygotes.

Submission:

Labcorp Genetics (formerly Invitae), Labcorp
Classification: Uncertain significance for Baller-Gerold syndrome. Last evaluated: 2024-09-06. Review status: criteria provided, single submitter. Criteria: Invitae Variant Classification Sherloc (09022015). Collection method: clinical testing. Allele origin: germline.
Comment: This sequence change replaces proline, which is neutral and non-polar, with leucine, which is neutral and non-polar, at codon 851 of the RECQL4 protein (p.Pro851Leu). This variant is present in population databases (rs760522191, gnomAD 0.001%). This variant has not been reported in the literature in individuals affected with RECQL4-related conditions. ClinVar contains an entry for this variant (Variation ID: 657439). Invitae Evidence Modeling of protein sequence and biophysical properties (such as structural, functional, and spatial information, amino acid conservation, physicochemical variation, residue mobility, and thermodynamic stability) indicates that this missense variant is not expected to disrupt RECQL4 protein function with a negative predictive value of 80%. In summary, the available evidence is currently insufficient to determine the role of this variant in disease. Therefore, it has been classified as a Variant of Uncertain Significance.

NM_004260.4(RECQL4):c.2552C>T (p.Pro851Leu)

Gene: RECQL4 (RecQ like helicase 4; minus strand). Cytogenetic location: 8q24.3.
Variant type: single nucleotide variant.
Coding change: c.2552C>T on transcript NM_004260.4 (MANE Select); coding-DNA position 2552, C replaced by T.
Protein change: p.Pro851Leu; replaces proline 851 with leucine.
Molecular consequence: missense variant.
Genome position (GRCh38, 1-based): chr8:144,513,050, G>A on the plus strand (C>T on the coding strand, the complement: RECQL4 is on the minus strand). VCF-style: chr8-144513050-G-A. GRCh37 (hg19) VCF-style: chr8-145738433-G-A.
Other names: short protein forms P851L.
Identifiers: ClinVar variation 657439 (VCV000657439.5), dbSNP rs760522191, ClinGen allele CA4948188.